The following is an entry in ClinVar:

ClinVar aggregate classification (germline): Likely pathogenic. Review status: criteria provided, multiple submitters, no conflicts (2 of 4 stars). 2 submissions from 2 submitters: Likely pathogenic (2). Last evaluated 2026-09-08.

Conditions:
Fabry disease. Also called: GLA DEFICIENCY; HEREDITARY DYSTOPIC LIPIDOSIS; Fabry's disease; Angiokeratoma corporis diffusum; Ceramide trihexosidosis; ALPHA-GALACTOSIDASE A DEFICIENCY. Identifiers: Orphanet 324, MedGen C0002986, MONDO:0010526, OMIM 301500, HP:0001071. Disease mechanism: loss of function, Fabry disease is due to inactivating mutations in the X-linked GLA gene resulting in deficiency of the enzyme Alpha Galactosidase-A..

Submissions (2):

Genomenon, Inc
Classification: Likely pathogenic for Fabry disease. Last evaluated: 2026-09-08. Review status: criteria provided, single submitter. Criteria: Genomenon Sequence Variant Interpretation Standards - Updated. Collection method: curation. Allele origin: germline. Affected: yes.
Comment: GLA c.1000-10G>A is an intronic variant located in the acceptor splice region of intron 6. This variant has been observed in at least one proband with clinical features consistent with Fabry disease (PMID:28682471;27265676;37576794;30739116). The variant was found to segregate with disease in at least one affected family (PMID:30739116). Functional or patient cell studies have been reported (PMID:27265676;37576794;28682471). It is absent or not present at a significant frequency in gnomAD. In silico models predict that this variant is possibly or probably damaging. In conclusion, we classify GLA c.1000-10G>A as a likely pathogenic variant.

Women's Health and Genetics/Laboratory Corporation of America, LabCorp
Classification: Likely pathogenic for Fabry disease. Last evaluated: 2019-08-13. Review status: criteria provided, single submitter. Criteria: LabCorp Variant Classification Summary - May 2015. Collection method: clinical testing. Allele origin: germline.
Comment: Variant summary: GLA c.1000-10G>A alters a non-conserved nucleotide located close to a canonical splice site and therefore could affect mRNA splicing, leading to a significantly altered protein sequence. Several computational tools predict a significant impact on normal splicing: Two predict the variant abolishes a 3' acceptor site. One predict the variant weakens a 3' acceptor site. Two predict the variant strenghtens a cryptic intronic 3' acceptor site. These changes would have a predicted effect of the insertion of TTTTTCAG (intronic sequence) into exon 7 leading to G334Ffs*17 (Alamut). Additionally, via patient mRNA sequencing, the variant was reported to lead to insertion of 8 nucleotides between exon 6 and 7, leading to a frameshift at the protien level (data not published, personal correspondence [August 13, 2019]). The variant was absent in 177406 control chromosomes (gnomAD). The available data on variant occurrences in the general population are insufficient to allow any conclusion about variant significance. These data do not allow any conclusion about variant significance. No clinical diagnostic laboratories have submitted clinical-significance assessments for this variant to ClinVar after 2014, nor is the variant present in HGMD or the Fabry disease database. Based on the evidence outlined above, the variant was classified as likely pathogenic.

Literature cited by the submitters: PubMed 28682471 (cited by Genomenon, Inc and Women's Health and Genetics/Laboratory Corporation of America, LabCorp); PubMed 27265676 (cited by Genomenon, Inc); PubMed 37576794 (cited by Genomenon, Inc); PubMed 30739116 (cited by Genomenon, Inc); PubMed 22176145 (cited by Women's Health and Genetics/Laboratory Corporation of America, LabCorp).

NM_000169.3(GLA):c.1000-10G>A

Genes: GLA (galactosidase alpha; minus strand), RPL36A-HNRNPH2 (RPL36A-HNRNPH2 readthrough; plus strand). Cytogenetic location: Xq22.1.
Variant type: single nucleotide variant.
Coding change: c.1000-10G>A on transcript NM_000169.3 (MANE Select); 10 bases into the intron before coding-DNA position 1000, G replaced by A.
Molecular consequence: intron variant.
Genome position (GRCh38, 1-based): chrX:101,398,109, C>T on the plus strand (G>A on the coding strand, the complement: GLA is on the minus strand). VCF-style: chrX-101398109-C-T. GRCh37 (hg19) VCF-style: chrX-100653097-C-T.
Other names: c.300+2652C>T (NM_001199973.2); c.177+6287C>T (NM_001199974.2); c.1123-10G>A (NM_001406747.1).
Identifiers: ClinVar variation 222110 (VCV000222110.4), dbSNP rs869312203, ClinGen allele CA352880.